The following is an entry in ClinVar:

NM_001018005.2(TPM1):c.237C>T (p.Thr79=)

Gene: TPM1 (tropomyosin 1; plus strand). Cytogenetic location: 15q22.2.
Variant type: single nucleotide variant.
Coding change: c.237C>T on transcript NM_001018005.2 (MANE Select); coding-DNA position 237, C replaced by T.
Protein change: p.Thr79=; no amino-acid change (threonine 79 retained).
Molecular consequence: synonymous variant. On other transcripts: non-coding transcript variant (12), intron variant (10).
Genome position (GRCh38, 1-based): chr15:63,044,149, C>T. VCF-style: chr15-63044149-C-T. GRCh37 (hg19) VCF-style: chr15-63336348-C-T.
Other names: c.237C>T, p.Thr79= (NM_000366.6, NM_001018004.2, NM_001018006.2 and 10 more transcripts); c.363C>T, p.Thr121= (NM_001365778.1, NM_001407322.1, NM_001407323.1 and 1 more transcripts); c.240+318C>T (NM_001407336.1, NM_001018020.2, NM_001407338.1 and 7 more transcripts).
Identifiers: ClinVar variation 3069791 (VCV003069791.1), dbSNP rs2542432806, ClinGen allele CA490680057.

ClinVar aggregate classification (germline): Likely benign (1 of 4 stars; one submission).

Conditions:
Hypertrophic cardiomyopathy. Also called: HYPERTROPHIC MYOCARDIOPATHY. Identifiers: Orphanet 217569, MedGen C0007194, MeSH D002312, MONDO:0005045, HP:0001639.

Submission:

All of Us Research Program, National Institutes of Health
Classification: Likely benign for Hypertrophic cardiomyopathy. Last evaluated: 2023-03-09. Review status: criteria provided, single submitter. Criteria: ACMG Guidelines, 2015. Collection method: clinical testing. Allele origin: germline. Inheritance: Autosomal dominant inheritance. Observed: 1 variant allele, 1 heterozygote.
Comment: This study involves interpretation of variants in research participants for the purpose of population health screening. Participant phenotype was not available at the time of variant classification. Additional details can be found in publication PMID: 35346344, PMCID: PMC8962531